The following is an entry in ClinVar:

ClinVar aggregate classification (germline): Pathogenic (1 of 4 stars; one submission).

Conditions:
Hereditary cancer-predisposing syndrome. Also called: Neoplastic Syndromes, Hereditary; Tumor predisposition; Hereditary neoplastic syndrome; Hereditary Cancer Syndrome. Identifiers: Orphanet 140162, MedGen C0027672, MeSH D009386, MONDO:0015356.

Submission:

Ambry Genetics
Classification: Pathogenic for Hereditary cancer-predisposing syndrome. Last evaluated: 2024-05-21. Review status: criteria provided, single submitter. Criteria: Ambry Variant Classification Scheme 2023. Collection method: clinical testing. Allele origin: germline.
Comment: The c.498dupT pathogenic mutation, located in coding exon 3 of the RAD51C gene, results from a duplication of T at nucleotide position 498, causing a translational frameshift with a predicted alternate stop codon (p.D167*). This variant is considered to be rare based on population cohorts in the Genome Aggregation Database (gnomAD). This alteration is expected to result in loss of function by premature protein truncation or nonsense-mediated mRNA decay. As such, this alteration is interpreted as a disease-causing mutation.

NM_058216.3(RAD51C):c.498dup (p.Asp167Ter)

Gene: RAD51C (RAD51 paralog C; plus strand). Cytogenetic location: 17q22.
Variant type: Duplication.
Coding change: c.498dup on transcript NM_058216.3 (MANE Select); coding-DNA position 498, one base duplicated (T; older notation c.498dupT).
Protein change: p.Asp167Ter; replaces aspartic acid 167 with a stop codon.
Molecular consequence: nonsense. On other transcripts: frameshift variant (1).
Genome position (GRCh38, 1-based): chr17:58,696,786, T duplicated; the last of 2 consecutive T bases (chr17:58,696,785-58,696,786); duplicating either gives the same sequence. VCF-style (leftmost placement, unchanged base first): chr17-58696784-G-GT. GRCh37 (hg19) VCF-style: chr17-56774145-G-GT.
Other names: c.498dupT (NM_058216.1); short protein forms D167*.
Identifiers: ClinVar variation 3312387 (VCV003312387.1).